The following is an entry in ClinVar:

ClinVar aggregate classification (germline): Uncertain significance (1 of 4 stars; one submission).

gnomAD v4.1: 1 of 1,610,622 alleles (0.000062%); highest among the groups gnomAD compares: East Asian, 0.0022%; no homozygotes.

Submission:

GeneDx
Classification: Uncertain significance. Last evaluated: 2023-10-26. Review status: criteria provided, single submitter. Criteria: GeneDx Variant Classification Process June 2021. Collection method: clinical testing. Allele origin: germline. Affected: yes.
Comment: Not observed at significant frequency in large population cohorts (gnomAD); In silico analysis supports that this missense variant has a deleterious effect on protein structure/function; Has not been previously published as pathogenic or benign to our knowledge

NM_031475.3(ESPN):c.2170C>T (p.Pro724Ser)

Gene: ESPN (espin; plus strand). Cytogenetic location: 1p36.31.
Variant type: single nucleotide variant.
Coding change: c.2170C>T on transcript NM_031475.3 (MANE Select); coding-DNA position 2170, C replaced by T.
Protein change: p.Pro724Ser; replaces proline 724 with serine.
Molecular consequence: missense variant.
Genome position (GRCh38, 1-based): chr1:6,451,941, C>T. VCF-style: chr1-6451941-C-T. GRCh37 (hg19) VCF-style: chr1-6512001-C-T.
Other names: c.2080C>T, p.Pro694Ser (NM_001367473.1); c.2107C>T, p.Pro703Ser (NM_001367474.1); short protein forms P694S, P703S, P724S.
Identifiers: ClinVar variation 3363519 (VCV003363519.1).